The following is an entry in ClinVar:

ClinVar aggregate classification (germline): Uncertain significance. Review status: criteria provided, multiple submitters, no conflicts (2 of 4 stars). 2 submissions from 2 submitters: Uncertain significance (2). Last evaluated 2022-04-20.

Conditions:
Inborn genetic diseases. Identifiers: MedGen C0950123, MeSH D030342.

Allele frequency attached by ClinVar (database versions not stated): TOPMed 0.00010.
gnomAD v4.1: 57 of 1,614,000 alleles (0.0035%); highest among the groups gnomAD compares: Admixed American, 0.068%; no homozygotes.

Submissions (2):

Labcorp Genetics (formerly Invitae), Labcorp
Classification: Uncertain significance. Last evaluated: 2022-04-20. Review status: criteria provided, single submitter. Criteria: Invitae Variant Classification Sherloc (09022015). Collection method: clinical testing. Allele origin: germline.
Comment: This sequence change replaces lysine, which is basic and polar, with arginine, which is basic and polar, at codon 370 of the ARPC1B protein (p.Lys370Arg). This variant is present in population databases (rs761120674, gnomAD 0.07%). This variant has not been reported in the literature in individuals affected with ARPC1B-related conditions. Algorithms developed to predict the effect of missense changes on protein structure and function (SIFT, PolyPhen-2, Align-GVGD) all suggest that this variant is likely to be tolerated. In summary, the available evidence is currently insufficient to determine the role of this variant in disease. Therefore, it has been classified as a Variant of Uncertain Significance.

Ambry Genetics
Classification: Uncertain significance for Inborn genetic diseases. Last evaluated: 2021-08-04. Review status: criteria provided, single submitter. Criteria: Ambry Variant Classification Scheme 2023. Collection method: clinical testing. Allele origin: germline.

NM_005720.4(ARPC1B):c.1109A>G (p.Lys370Arg)

Gene: ARPC1B (actin related protein 2/3 complex subunit 1B; plus strand). Cytogenetic location: 7q22.1.
Variant type: single nucleotide variant.
Coding change: c.1109A>G on transcript NM_005720.4 (MANE Select); coding-DNA position 1109, A replaced by G.
Protein change: p.Lys370Arg; replaces lysine 370 with arginine.
Molecular consequence: missense variant.
Genome position (GRCh38, 1-based): chr7:99,394,479, A>G. VCF-style: chr7-99394479-A-G. GRCh37 (hg19) VCF-style: chr7-98992102-A-G.
Other names: c.1109A>G (NM_005720.3); short protein forms K370R.
Identifiers: ClinVar variation 1486059 (VCV001486059.6), dbSNP rs761120674, ClinGen allele CA4364242.